The following is an entry in ClinVar:

ClinVar aggregate classification (germline): Uncertain significance (1 of 4 stars; one submission).

Submission:

Dasa
Classification: Uncertain significance. Last evaluated: 2025-02-20. Review status: criteria provided, single submitter. Criteria: DASA Assertion Criteria. Collection method: clinical testing. Allele origin: germline.
Comment: NM_014712.3(SETD1A):c.2243A>T (p.Tyr748Phe) is a missense variant that results in the substitution of tyrosine with phenylalanine. This variant is absent from population databases. Computational prediction algorithms are consistent with a benign effect. The currently available literature and clinical evidence are not sufficient to establish a definitive association between this variant and the reported condition. Therefore, this variant is classified as a variant of uncertain significance.

NM_014712.3(SETD1A):c.2243A>T (p.Tyr748Phe)

Gene: SETD1A (SET domain containing 1A, histone lysine methyltransferase; plus strand). Cytogenetic location: 16p11.2.
Variant type: single nucleotide variant.
Coding change: c.2243A>T on transcript NM_014712.3 (MANE Select); coding-DNA position 2243, A replaced by T.
Protein change: p.Tyr748Phe; replaces tyrosine 748 with phenylalanine.
Molecular consequence: missense variant.
Genome position (GRCh38, 1-based): chr16:30,966,124, A>T. VCF-style: chr16-30966124-A-T. GRCh37 (hg19) VCF-style: chr16-30977445-A-T.
Other names: short protein forms Y748F.
Identifiers: ClinVar variation 4885958 (VCV004885958.2).